The following is an entry in ClinVar:

ClinVar aggregate classification (germline): Uncertain significance (1 of 4 stars; one submission).

Conditions:
Tuberous sclerosis 2 (TSC2). Identifiers: Orphanet 805, MedGen C1860707, MONDO:0013199, OMIM 613254.

Submission:

Labcorp Genetics (formerly Invitae), Labcorp
Classification: Uncertain significance for Tuberous sclerosis 2. Last evaluated: 2026-02-01. Review status: criteria provided, single submitter. Criteria: Invitae Variant Classification Sherloc (09022015). Collection method: clinical testing. Allele origin: germline.
Comment: This sequence change replaces serine, which is neutral and polar, with cysteine, which is neutral and slightly polar, at codon 235 of the TSC2 protein (p.Ser235Cys). This variant is not present in population databases (gnomAD no frequency). This variant has not been reported in the literature in individuals affected with TSC2-related conditions. Invitae Evidence Modeling of protein sequence and biophysical properties (such as structural, functional, and spatial information, amino acid conservation, physicochemical variation, residue mobility, and thermodynamic stability) indicates that this missense variant is not expected to disrupt TSC2 protein function with a negative predictive value of 95%. In summary, the available evidence is currently insufficient to determine the role of this variant in disease. Therefore, it has been classified as a Variant of Uncertain Significance.

NM_000548.5(TSC2):c.703A>T (p.Ser235Cys)

Gene: TSC2 (TSC complex subunit 2; plus strand). Cytogenetic location: 16p13.3.
Variant type: single nucleotide variant.
Coding change: c.703A>T on transcript NM_000548.5 (MANE Select); coding-DNA position 703, A replaced by T.
Protein change: p.Ser235Cys; replaces serine 235 with cysteine.
Molecular consequence: missense variant. On other transcripts: 5 prime UTR variant (10), non-coding transcript variant (5).
Genome position (GRCh38, 1-based): chr16:2,056,698, A>T. VCF-style: chr16-2056698-A-T. GRCh37 (hg19) VCF-style: chr16-2106699-A-T.
Other names: c.103A>T, p.Ser35Cys (NM_001406684.1, NM_001406685.1, NM_001406686.1 and 6 more transcripts); c.-729A>T (NM_001406689.1, NM_001406690.1, NM_001406691.1 and 4 more transcripts); c.-610A>T (NM_001406694.1, NM_001406695.1); c.703A>T, p.Ser235Cys (NM_001077183.3, NM_001114382.3, NM_001363528.2 and 6 more transcripts); c.592A>T, p.Ser198Cys (NM_001318827.2, NM_001406670.1, NM_001406678.1); c.556A>T, p.Ser186Cys (NM_001318829.2, NM_001406675.1, NM_001406676.1 and 1 more transcripts); c.736A>T, p.Ser246Cys (NM_001318832.2); c.793A>T, p.Ser265Cys (NM_001406667.1, NM_001406668.1); and 4 more; short protein forms S186C, S198C, S216C, S231C, S235C, S246C, S265C, S35C.
Identifiers: ClinVar variation 4802838 (VCV004802838.1).